The following is an entry in ClinVar:

NM_000381.4(MID1):c.356G>A (p.Cys119Tyr)

Gene: MID1 (midline 1; minus strand). Cytogenetic location: Xp22.2.
Variant type: single nucleotide variant.
Coding change: c.356G>A on transcript NM_000381.4 (MANE Select); coding-DNA position 356, G replaced by A.
Protein change: p.Cys119Tyr; replaces cysteine 119 with tyrosine.
Molecular consequence: missense variant.
Genome position (GRCh38, 1-based): chrX:10,567,192, C>T on the plus strand (G>A on the coding strand, the complement: MID1 is on the minus strand). VCF-style: chrX-10567192-C-T. GRCh37 (hg19) VCF-style: chrX-10535232-C-T.
Other names: c.356G>A, p.Cys119Tyr (NM_001098624.2, NM_001193277.1, NM_001193278.1 and 5 more transcripts); short protein forms C119Y.
Identifiers: ClinVar variation 4879766 (VCV004879766.1).

ClinVar aggregate classification (germline): Likely pathogenic (1 of 4 stars; one submission).

Conditions:
X-linked Opitz G/BBB syndrome (GBBB). Also called: MID1-Related Opitz G/BBB Syndrome; Opitz-Frias syndrome; OPITZ BBBG SYNDROME, TYPE I; OPITZ SYNDROME, X-LINKED; OPITZ-G SYNDROME, TYPE I. Identifiers: Orphanet 2745, MedGen C2936904, MONDO:0010222, OMIM 300000.

Submission:

Victorian Clinical Genetics Services, Murdoch Childrens Research Institute
Classification: Likely pathogenic for X-linked Opitz G/BBB syndrome. Last evaluated: 2026-02-25. Review status: criteria provided, single submitter. Criteria: ACMG Guidelines, 2015. Collection method: clinical testing. Allele origin: germline. Affected: yes.
Comment: This variant is classified as Likely pathogenic. Evidence in support of pathogenic classification: Variant is absent from gnomAD (v2, v3 and v4); Variant is located in the well-established C6H2 zinc binding consensus motif in the ANCHR-like B-box zinc-binding domain and affects a critical cysteine residue (DECIPHER); Missense variant predicted to be damaging by in silico tool(s) or highly conserved with a major amino acid change; Strong phenotype match for this individual. Additional information: Variant is predicted to result in a missense amino acid change from Cys to Tyr; This variant is hemizygous; This gene is associated with X-linked disease; This variant has no previous evidence of pathogenicity; No published evidence of segregation with disease has been identified for this variant; No published functional evidence has been identified for this variant; No comparable missense variants have previous evidence for pathogenicity; Loss of function is a known mechanism of disease in this gene and is associated with Opitz GBBB syndrome, type I (MIM# 300000); The condition associated with this gene has incomplete penetrance.

Literature cited by the submitters: PubMed 20671548.